The following is an entry in ClinVar:

NM_000492.4(CFTR):c.2724C>T (p.Thr908=)

Gene: CFTR (CF transmembrane conductance regulator; plus strand). Cytogenetic location: 7q31.2.
Variant type: single nucleotide variant.
Coding change: c.2724C>T on transcript NM_000492.4 (MANE Select); coding-DNA position 2724, C replaced by T.
Protein change: p.Thr908=; no amino-acid change (threonine 908 retained).
Molecular consequence: synonymous variant.
Genome position (GRCh38, 1-based): chr7:117,603,598, C>T. VCF-style: chr7-117603598-C-T. GRCh37 (hg19) VCF-style: chr7-117243652-C-T.
Identifiers: ClinVar variation 2141394 (VCV002141394.6), dbSNP rs2485121860, ClinGen allele CA457227937.
Genomic context (GRCh38, chr7:117,603,598, plus strand): 5'-TCTTCAAGACAAAGGGAATAGTACTCATAGTAGAAATAACAGCTATGCAGTGATTATCAC[C>T]AGCACCAGTTCGTATTATGTGTTTTACATTTACGTGGGAGTAGCCGACACTTTGCTTGCT-3'
Protein context (NP_000483.3, residues 898-918): SRNNSYAVII[Thr908=]STSSYYVFYI

ClinVar aggregate classification (germline): Likely benign. Review status: criteria provided, multiple submitters, no conflicts (2 of 4 stars). 3 submissions from 3 submitters: Likely benign (3). Last evaluated 2025-07-12.

Conditions:
CFTR-related disorder (CFTR-RD). Also called: CFTR-related disorders; CFTR-related condition. Identifiers: MedGen C5924204, MONDO:7770004.
Cystic fibrosis (CF). Also called: MUCOVISCIDOSIS. Identifiers: Orphanet 586, MedGen C0010674, MONDO:0009061, OMIM 219700. Disease mechanism: loss of function.

Submissions (3):

PreventionGenetics, part of Exact Sciences
Classification: Likely benign for CFTR-related condition. Last evaluated: 2025-07-12. Review status: criteria provided, single submitter. Criteria: ACMG Guidelines, 2015. Collection method: clinical testing. Allele origin: germline.
Comment: This variant is classified as likely benign based on ACMG/AMP sequence variant interpretation guidelines (Richards et al. 2015 PMID: 25741868, with internal and published modifications).

Ambry Genetics
Classification: Likely benign for Cystic fibrosis. Last evaluated: 2024-01-19. Review status: criteria provided, single submitter. Criteria: Ambry Variant Classification Scheme 2023. Collection method: clinical testing. Allele origin: germline.

Labcorp Genetics (formerly Invitae), Labcorp
Classification: Likely benign for Cystic fibrosis. Last evaluated: 2023-06-17. Review status: criteria provided, single submitter. Criteria: Invitae Variant Classification Sherloc (09022015). Collection method: clinical testing. Allele origin: germline.